The following is an entry in ClinVar:

ClinVar aggregate classification (germline): Uncertain significance (1 of 4 stars; one submission).

Conditions:
Infantile neuroaxonal dystrophy (NBIA2A). Also called: NEURODEGENERATION WITH BRAIN IRON ACCUMULATION 2A; SEITELBERGER DISEASE; Infantile neuroaxonal dystrophy 1. Identifiers: Orphanet 35069, MedGen C0270724, MONDO:0024457, OMIM 256600.

Submission:

Labcorp Genetics (formerly Invitae), Labcorp
Classification: Uncertain significance for Infantile neuroaxonal dystrophy. Last evaluated: 2022-08-25. Review status: criteria provided, single submitter. Criteria: Invitae Variant Classification Sherloc (09022015). Collection method: clinical testing. Allele origin: germline.
Comment: This sequence change replaces valine, which is neutral and non-polar, with methionine, which is neutral and non-polar, at codon 548 of the PLA2G6 protein (p.Val548Met). This variant is not present in population databases (gnomAD no frequency). In summary, the available evidence is currently insufficient to determine the role of this variant in disease. Therefore, it has been classified as a Variant of Uncertain Significance. Advanced modeling of protein sequence and biophysical properties (such as structural, functional, and spatial information, amino acid conservation, physicochemical variation, residue mobility, and thermodynamic stability) performed at Invitae indicates that this missense variant is expected to disrupt PLA2G6 protein function. This missense change has been observed in individual(s) with clinical features of PLA2G6-related conditions (Invitae).

NM_003560.4(PLA2G6):c.1642G>A (p.Val548Met)

Gene: PLA2G6 (phospholipase A2 group VI; minus strand). Cytogenetic location: 22q13.1.
Variant type: single nucleotide variant.
Coding change: c.1642G>A on transcript NM_003560.4 (MANE Select); coding-DNA position 1642, G replaced by A.
Protein change: p.Val548Met; replaces valine 548 with methionine.
Molecular consequence: missense variant.
Genome position (GRCh38, 1-based): chr22:38,120,859, C>T on the plus strand (G>A on the coding strand, the complement: PLA2G6 is on the minus strand). VCF-style: chr22-38120859-C-T. GRCh37 (hg19) VCF-style: chr22-38516866-C-T.
Other names: c.1480G>A, p.Val494Met (NM_001004426.3, NM_001199562.3, NM_001349865.2 and 1 more transcripts); c.1642G>A, p.Val548Met (NM_001349864.2); c.1108G>A, p.Val370Met (NM_001349867.2); c.964G>A, p.Val322Met (NM_001349868.2); c.946G>A, p.Val316Met (NM_001349869.2); short protein forms V322M, V370M, V548M, V316M, V494M.
Identifiers: ClinVar variation 2120930 (VCV002120930.4), dbSNP rs2517951719, ClinGen allele CA411527510.